The following is an entry in ClinVar:

NM_021814.5(ELOVL5):c.577C>T (p.Arg193Cys)

Gene: ELOVL5 (ELOVL fatty acid elongase 5; minus strand). Cytogenetic location: 6p12.1.
Variant type: single nucleotide variant.
Coding change: c.577C>T on transcript NM_021814.5 (MANE Select); coding-DNA position 577, C replaced by T.
Protein change: p.Arg193Cys; replaces arginine 193 with cysteine.
Molecular consequence: missense variant. On other transcripts: intron variant (1).
Genome position (GRCh38, 1-based): chr6:53,273,264, G>A on the plus strand (C>T on the coding strand, the complement: ELOVL5 is on the minus strand). VCF-style: chr6-53273264-G-A. GRCh37 (hg19) VCF-style: chr6-53138062-G-A.
Other names: p.Arg193Cys; c.658C>T, p.Arg220Cys (NM_001242828.2); c.577C>T, p.Arg193Cys (NM_001301856.2); c.496+1826C>T (NM_001242830.2); short protein forms R193C, R220C.
Identifiers: ClinVar variation 931695 (VCV000931695.7), dbSNP rs761391551, ClinGen allele CA3859684.

ClinVar aggregate classification (germline): Uncertain significance. Review status: criteria provided, multiple submitters, no conflicts (2 of 4 stars). 4 submissions from 4 submitters: Uncertain significance (4). Last evaluated 2025-10-26.

Conditions:
Inborn genetic diseases. Identifiers: MedGen C0950123, MeSH D030342.
Spinocerebellar ataxia type 38. Identifiers: Orphanet 423296, MedGen C4518337, MONDO:0014417, OMIM 615957.

Allele frequency attached by ClinVar (database versions not stated): gnomAD exomes below 0.00001 and 0.00001; ExAC 0.00001; gnomAD 0.00001; TOPMed 0.00002.

Submissions (4):

Labcorp Genetics (formerly Invitae), Labcorp
Classification: Uncertain significance. Last evaluated: 2025-10-26. Review status: criteria provided, single submitter. Criteria: Invitae Variant Classification Sherloc (09022015). Collection method: clinical testing. Allele origin: germline.
Comment: This sequence change replaces arginine, which is basic and polar, with cysteine, which is neutral and slightly polar, at codon 193 of the ELOVL5 protein (p.Arg193Cys). The frequency data for this variant in the population databases is considered unreliable, as metrics indicate poor data quality at this position in the gnomAD database. This variant has not been reported in the literature in individuals affected with ELOVL5-related conditions. ClinVar contains an entry for this variant (Variation ID: 931695). Invitae Evidence Modeling of protein sequence and biophysical properties (such as structural, functional, and spatial information, amino acid conservation, physicochemical variation, residue mobility, and thermodynamic stability) indicates that this missense variant is expected to disrupt ELOVL5 protein function with a positive predictive value of 80%. In summary, the available evidence is currently insufficient to determine the role of this variant in disease. Therefore, it has been classified as a Variant of Uncertain Significance.

Mayo Clinic Laboratories, Mayo Clinic
Classification: Uncertain significance. Last evaluated: 2025-09-26. Review status: criteria provided, single submitter. Criteria: ACMG Guidelines, 2015. Collection method: clinical testing. Allele origin: germline. Observed: 1 variant allele.

Ambry Genetics
Classification: Uncertain significance for Inborn genetic diseases. Last evaluated: 2022-10-04. Review status: criteria provided, single submitter. Criteria: Ambry Variant Classification Scheme 2023. Collection method: clinical testing. Allele origin: germline.

Centre for Mendelian Genomics, University Medical Centre Ljubljana
Classification: Uncertain significance for Spinocerebellar ataxia type 38. Last evaluated: 2019-07-12. Review status: criteria provided, single submitter. Criteria: ACMG Guidelines, 2015. Collection method: clinical testing. Allele origin: unknown. Affected: yes.
Comment: This variant was classified as: Uncertain significance. The available evidence on this variant's pathogenicity is insufficient or conflicting. The following ACMG criteria were applied in classifying this variant: PM2,PP3,PP4.